The following is an entry in ClinVar:

NM_001206927.2(DNAH8):c.11726A>G (p.Tyr3909Cys)

Genes: DNAH8 (dynein axonemal heavy chain 8; plus strand), DNAH8-AS1 (DNAH8 antisense RNA 1; minus strand). Cytogenetic location: 6p21.2.
Variant type: single nucleotide variant.
Coding change: c.11726A>G on transcript NM_001206927.2 (MANE Select); coding-DNA position 11726, A replaced by G.
Protein change: p.Tyr3909Cys; replaces tyrosine 3909 with cysteine.
Molecular consequence: missense variant.
Genome position (GRCh38, 1-based): chr6:38,938,136, A>G. VCF-style: chr6-38938136-A-G. GRCh37 (hg19) VCF-style: chr6-38905912-A-G.
Other names: c.11075A>G, p.Tyr3692Cys (NM_001371.4); short protein forms Y3692C, Y3909C.
Identifiers: ClinVar variation 2338580 (VCV002338580.5), dbSNP rs373142030, ClinGen allele CA3791163.

ClinVar aggregate classification (germline): Uncertain significance. Review status: criteria provided, multiple submitters, no conflicts (2 of 4 stars). 2 submissions from 2 submitters: Uncertain significance (2). Last evaluated 2025-02-05.

Conditions:
Primary ciliary dyskinesia. Also called: Ciliary dyskinesia. Identifiers: Orphanet 244, MedGen C0008780, MONDO:0016575, HP:0012265.

gnomAD v4.1: 10 of 1,614,054 alleles (0.00062%); highest among the groups gnomAD compares: Middle Eastern, 0.016%; no homozygotes.

Submissions (2):

Labcorp Genetics (formerly Invitae), Labcorp
Classification: Uncertain significance for Primary ciliary dyskinesia. Last evaluated: 2025-02-05. Review status: criteria provided, single submitter. Criteria: Invitae Variant Classification Sherloc (09022015). Collection method: clinical testing. Allele origin: germline.
Comment: This sequence change replaces tyrosine, which is neutral and polar, with cysteine, which is neutral and slightly polar, at codon 3909 of the DNAH8 protein (p.Tyr3909Cys). This variant is present in population databases (rs373142030, gnomAD 0.003%). This variant has not been reported in the literature in individuals affected with DNAH8-related conditions. ClinVar contains an entry for this variant (Variation ID: 2338580). Invitae Evidence Modeling of protein sequence and biophysical properties (such as structural, functional, and spatial information, amino acid conservation, physicochemical variation, residue mobility, and thermodynamic stability) indicates that this missense variant is expected to disrupt DNAH8 protein function with a positive predictive value of 80%. In summary, the available evidence is currently insufficient to determine the role of this variant in disease. Therefore, it has been classified as a Variant of Uncertain Significance.

Ambry Genetics
Classification: Uncertain significance. Last evaluated: 2022-12-21. Review status: criteria provided, single submitter. Criteria: Ambry Variant Classification Scheme 2023. Collection method: clinical testing. Allele origin: germline.